The following is an entry in ClinVar:

NM_001829.4(CLCN3):c.896T>C (p.Leu299Pro)

Gene: CLCN3 (Cl-/H+ antiporter 3; plus strand). Cytogenetic location: 4q33.
Variant type: single nucleotide variant.
Coding change: c.896T>C on transcript NM_001829.4 (MANE Select); coding-DNA position 896, T replaced by C.
Protein change: p.Leu299Pro; replaces leucine 299 with proline.
Molecular consequence: missense variant.
Genome position (GRCh38, 1-based): chr4:169,692,280, T>C. VCF-style: chr4-169692280-T-C. GRCh37 (hg19) VCF-style: chr4-170613431-T-C.
Other names: c.896T>C, p.Leu299Pro (NM_001243372.2, NM_173872.4); c.815T>C, p.Leu272Pro (NM_001243374.2); short protein forms L272P, L299P.
Identifiers: ClinVar variation 4869008 (VCV004869008.1).

ClinVar aggregate classification (germline): Uncertain significance (1 of 4 stars; one submission).

Conditions:
Inborn genetic diseases. Identifiers: MedGen C0950123, MeSH D030342.

Submission:

Ambry Genetics
Classification: Uncertain significance for Inborn genetic diseases. Last evaluated: 2026-05-26. Review status: criteria provided, single submitter. Criteria: Ambry Variant Classification Scheme 2023. Collection method: clinical testing. Allele origin: germline.
Comment: The c.896T>C (p.L299P) alteration is located in exon 1 (coding exon 1) of the CLCN3 gene. This alteration results from a T to C substitution at nucleotide position 896, causing the leucine (L) at amino acid position 299 to be replaced by a proline (P). Based on data from gnomAD, the C allele has an overall frequency of <0.001% (1/251376) total alleles studied. The highest observed frequency was <0.001% (/) of alleles. Based on insufficient or conflicting evidence, the clinical significance of this alteration remains unclear.